The following is an entry in ClinVar:

ClinVar aggregate classification (germline): Uncertain significance. Review status: criteria provided, multiple submitters, no conflicts (2 of 4 stars). 2 submissions from 2 submitters: Uncertain significance (2). Last evaluated 2025-12-20.

Conditions:
Currarino triad. Identifiers: Orphanet 1552, MedGen C1531773, MONDO:0008305, OMIM 176450.

Submissions (2):

Labcorp Genetics (formerly Invitae), Labcorp
Classification: Uncertain significance. Last evaluated: 2025-12-20. Review status: criteria provided, single submitter. Criteria: Invitae Variant Classification Sherloc (09022015). Collection method: clinical testing. Allele origin: germline.
Comment: This variant, c.381_401dup, results in the insertion of 7 amino acid(s) of the MNX1 protein (p.Ala128_Ala134dup), but otherwise preserves the integrity of the reading frame. The frequency data for this variant in the population databases is considered unreliable, as metrics indicate insufficient coverage at this position in the gnomAD database. This variant has not been reported in the literature in individuals affected with MNX1-related conditions. Experimental studies and prediction algorithms are not available or were not evaluated, and the functional significance of this variant is currently unknown. In summary, the available evidence is currently insufficient to determine the role of this variant in disease. Therefore, it has been classified as a Variant of Uncertain Significance.

Fulgent Genetics
Classification: Uncertain significance for Currarino triad. Last evaluated: 2022-01-28. Review status: criteria provided, single submitter. Criteria: ACMG Guidelines, 2015. Collection method: clinical testing. Allele origin: unknown.

NM_005515.4(MNX1):c.375CGC[16] (p.Ala128_Ala134dup)

Genes: MNX1 (motor neuron and pancreas homeobox 1; minus strand), LOC129999736 (ATAC-STARR-seq lymphoblastoid silent region 18858; plus strand). Cytogenetic location: 7q36.3.
Variant type: Microsatellite.
Coding change: c.375CGC[16] on transcript NM_005515.4 (MANE Select); 16 copies in a row of the 3-base unit CGC starting at c.375; the reference has nine copies in a row; seven copies, 21 bases duplicated; also written c.381_401dup.
Protein change: p.Ala128_Ala134dup.
Molecular consequence: inframe insertion.
Genome position (GRCh38, 1-based): chr7:157,009,950-157,009,970, GCGGCGGCGGCGGCGGCGGCG duplicated on the plus strand (CGCCGCCGCCGCCGCCGCCGC on the coding strand, the reverse complement: MNX1 is on the minus strand); duplicating any 21 consecutive bases within chr7:157,009,950-157,009,978 gives the same sequence; the position shown is the placement nearest the transcript's 3' end. VCF-style (leftmost placement, unchanged base first): chr7-157009949-A-AGCGGCGGCGGCGGCGGCGGCG. GRCh37 (hg19) VCF-style: chr7-156802643-A-AGCGGCGGCGGCGGCGGCGGCG.
Other names: c.381_401dup (NM_005515.4).
Identifiers: ClinVar variation 1396188 (VCV001396188.7), dbSNP rs548755417, ClinGen allele CA835795832.